The following is an entry in ClinVar:

NM_001110556.2(FLNA):c.6930G>C (p.Lys2310Asn)

Gene: FLNA (filamin A; minus strand). Cytogenetic location: Xq28.
Variant type: single nucleotide variant.
Coding change: c.6930G>C on transcript NM_001110556.2 (MANE Select); coding-DNA position 6930, G replaced by C.
Protein change: p.Lys2310Asn; replaces lysine 2310 with asparagine.
Molecular consequence: missense variant.
Genome position (GRCh38, 1-based): chrX:154,351,674, C>G on the plus strand (G>C on the coding strand, the complement: FLNA is on the minus strand). VCF-style: chrX-154351674-C-G. GRCh37 (hg19) VCF-style: chrX-153580042-C-G.
Other names: c.6906G>C, p.Lys2302Asn (NM_001456.4); short protein forms K2310N, K2302N.
Identifiers: ClinVar variation 4787583 (VCV004787583.1).

ClinVar aggregate classification (germline): Uncertain significance (1 of 4 stars; one submission).

Conditions:
Heterotopia, periventricular, X-linked dominant (PVNH1). Also called: PERIVENTRICULAR NODULAR HETEROTOPIA 4; HETEROTOPIA, PERIVENTRICULAR, 1; PERIVENTRICULAR NODULAR HETEROTOPIA 1; X-linked periventricular heterotopia. Identifiers: Orphanet 2149, Orphanet 82004, MedGen C1848213, MONDO:0010233, OMIM 300049.
Oto-palato-digital syndrome, type II (OPD2). Also called: Otopalatodigital Syndrome, Type II; FACIOPALATOOSSEOUS SYNDROME; OPD II SYNDROME; Otopalatodigital Syndrome Type 2 (FLNA-OPD2). Identifiers: Orphanet 669, Orphanet 90652, MedGen C1844696, MONDO:0010571, OMIM 304120.
Melnick-Needles syndrome (MNS). Also called: MELNICK-NEEDLES OSTEODYSPLASTY; OSTEODYSPLASTY OF MELNICK AND NEEDLES; Melnick-Needles Syndrome (FLNA-MNS). Identifiers: Orphanet 2484, MedGen C0025237, MONDO:0010650, OMIM 309350.
Frontometaphyseal dysplasia (FMD1). Identifiers: Orphanet 1826, MedGen C0265293, MONDO:0015942.

Submission:

Labcorp Genetics (formerly Invitae), Labcorp
Classification: Uncertain significance for Oto-palato-digital syndrome, type II; Heterotopia, periventricular, X-linked dominant; Frontometaphyseal dysplasia; Melnick-Needles syndrome. Last evaluated: 2025-02-23. Review status: criteria provided, single submitter. Criteria: Invitae Variant Classification Sherloc (09022015). Collection method: clinical testing. Allele origin: germline.
Comment: This sequence change replaces lysine, which is basic and polar, with asparagine, which is neutral and polar, at codon 2302 of the FLNA protein (p.Lys2302Asn). This variant is not present in population databases (gnomAD no frequency). This variant has not been reported in the literature in individuals affected with FLNA-related conditions. Invitae Evidence Modeling of protein sequence and biophysical properties (such as structural, functional, and spatial information, amino acid conservation, physicochemical variation, residue mobility, and thermodynamic stability) indicates that this missense variant is not expected to disrupt FLNA protein function with a negative predictive value of 95%. In summary, the available evidence is currently insufficient to determine the role of this variant in disease. Therefore, it has been classified as a Variant of Uncertain Significance.